The following is an entry in ClinVar:

NM_000143.4(FH):c.700A>T (p.Thr234Ser)

Gene: FH (fumarate hydratase; minus strand). Cytogenetic location: 1q43.
Variant type: single nucleotide variant.
Coding change: c.700A>T on transcript NM_000143.4 (MANE Select); coding-DNA position 700, A replaced by T.
Protein change: p.Thr234Ser; replaces threonine 234 with serine.
Molecular consequence: missense variant.
Genome position (GRCh38, 1-based): chr1:241,508,641, T>A on the plus strand (A>T on the coding strand, the complement: FH is on the minus strand). VCF-style: chr1-241508641-T-A. GRCh37 (hg19) VCF-style: chr1-241671941-T-A.
Other names: short protein forms T234S.
Identifiers: ClinVar variation 2003649 (VCV002003649.4), dbSNP rs372505976, ClinGen allele CA345439216.

ClinVar aggregate classification (germline): Likely pathogenic (1 of 4 stars; one submission).

Submission:

Labcorp Genetics (formerly Invitae), Labcorp
Classification: Likely pathogenic. Last evaluated: 2022-06-08. Review status: criteria provided, single submitter. Criteria: Invitae Variant Classification Sherloc (09022015). Collection method: clinical testing. Allele origin: germline.
Comment: This sequence change replaces threonine, which is neutral and polar, with serine, which is neutral and polar, at codon 234 of the FH protein (p.Thr234Ser). This variant is not present in population databases (gnomAD no frequency). In summary, the currently available evidence indicates that the variant is pathogenic, but additional data are needed to prove that conclusively. Therefore, this variant has been classified as Likely Pathogenic. This variant disrupts the p.Thr234 amino acid residue in FH. Other variant(s) that disrupt this residue have been determined to be pathogenic (PMID: 30050099; Invitae; external communication). This suggests that this residue is clinically significant, and that variants that disrupt this residue are likely to be disease-causing. Advanced modeling of protein sequence and biophysical properties (such as structural, functional, and spatial information, amino acid conservation, physicochemical variation, residue mobility, and thermodynamic stability) performed at Invitae indicates that this missense variant is expected to disrupt FH protein function. This variant has not been reported in the literature in individuals affected with FH-related conditions.

Literature cited by the submitters: PubMed 30050099.